The following is an entry in ClinVar:

NM_004064.5(CDKN1B):c.88A>T (p.Arg30Trp)

Gene: CDKN1B (cyclin dependent kinase inhibitor 1B; plus strand). Cytogenetic location: 12p13.1.
Variant type: single nucleotide variant.
Coding change: c.88A>T on transcript NM_004064.5 (MANE Select); coding-DNA position 88, A replaced by T.
Protein change: p.Arg30Trp; replaces arginine 30 with tryptophan.
Molecular consequence: missense variant.
Genome position (GRCh38, 1-based): chr12:12,717,927, A>T. VCF-style: chr12-12717927-A-T. GRCh37 (hg19) VCF-style: chr12-12870861-A-T.
Other names: short protein forms R30W.
Identifiers: ClinVar variation 3265556 (VCV003265556.1).

ClinVar aggregate classification (germline): Uncertain significance (1 of 4 stars; one submission).

Conditions:
Hereditary cancer-predisposing syndrome. Also called: Hereditary Cancer Syndrome; Tumor predisposition; Hereditary neoplastic syndrome; Neoplastic Syndromes, Hereditary. Identifiers: Orphanet 140162, MedGen C0027672, MeSH D009386, MONDO:0015356.

Submission:

Ambry Genetics
Classification: Uncertain significance for Hereditary cancer-predisposing syndrome. Last evaluated: 2024-04-24. Review status: criteria provided, single submitter. Criteria: Ambry Variant Classification Scheme 2023. Collection method: clinical testing. Allele origin: germline.
Comment: The p.R30W variant (also known as c.88A>T), located in coding exon 1 of the CDKN1B gene, results from an A to T substitution at nucleotide position 88. The arginine at codon 30 is replaced by tryptophan, an amino acid with dissimilar properties. This amino acid position is conserved. In addition, this alteration is predicted to be deleterious by in silico analysis. Based on the available evidence, the clinical significance of this variant remains unclear.